The following is an entry in ClinVar:

ClinVar aggregate classification (germline): Conflicting classifications of pathogenicity. Review status: criteria provided, conflicting classifications (1 of 4 stars). 8 submissions from 8 submitters: Pathogenic (1); Likely pathogenic (4); Uncertain significance (2). 1 of the submissions does not count toward it. Last evaluated 2026-04-22.

Conditions:
Glycogen storage disease IV, classic hepatic. Also called: GSD IV, CLASSIC HEPATIC. Identifiers: MedGen C1856301.
Glycogen storage disease, type IV (GSD4). Also called: BRANCHER DEFICIENCY; CIRRHOSIS, FAMILIAL, WITH DEPOSITION OF ABNORMAL GLYCOGEN; GBE1 DEFICIENCY; GLYCOGEN BRANCHING ENZYME DEFICIENCY; GLYCOGENOSIS IV; GSD IV. Identifiers: Orphanet 367, MedGen C0017923, MONDO:0009292, OMIM 232500.
Adult polyglucosan body disease (APBN). Also called: POLYGLUCOSAN BODY DISEASE, ADULT FORM; GBE1-Adult Polyglucosan Body Disease. Identifiers: Orphanet 206583, MedGen C1849722, MONDO:0009897, OMIM 263570.
Glycogen storage disease due to glycogen branching enzyme deficiency, congenital neuromuscular form. Also called: GSD IV, NEUROMUSCULAR FORM, CONGENITAL; GLYCOGEN STORAGE DISEASE IV, CONGENITAL NEUROMUSCULAR. Identifiers: Orphanet 308670, MedGen C1856304, MONDO:0017698.

Allele frequency attached by ClinVar (database versions not stated): TOPMed below 0.00001; gnomAD exomes 0.00002 and 0.00001; ExAC 0.00003.

Submissions (8):

Myriad Genetics, Inc.
Classification: Uncertain significance for Glycogen storage disease, type IV. Last evaluated: 2026-04-22. Review status: criteria provided, single submitter. Criteria: Myriad Autosomal Dominant, Autosomal Recessive and X-Linked Classification Criteria (2023). Collection method: clinical testing. Allele origin: unknown.
Comment: NM_000158.3(GBE1):c.784C>T(R262C) is a missense variant classified as a variant of uncertain significance in the context of glycogen storage disease, GBE1-related. R262C has been observed in a case with relevant disease (PMID: 16528737). Relevant functional assessments of this variant are not available in the literature. Internal structural analysis of the variant is supportive of pathogenicity. R262C has been observed in referenced population frequency databases. In summary, there is insufficient evidence to classify NM_000158.3(GBE1):c.784C>T(R262C) as pathogenic or benign. Please note: this variant was assessed in the context of healthy population screening.

Labcorp Genetics (formerly Invitae), Labcorp
Classification: Likely pathogenic for Glycogen storage disease, type IV; Glycogen storage disease IV, classic hepatic. Last evaluated: 2025-09-02. Review status: criteria provided, single submitter. Criteria: Invitae Variant Classification Sherloc (09022015). Collection method: clinical testing. Allele origin: germline.
Comment: This sequence change replaces arginine, which is basic and polar, with cysteine, which is neutral and slightly polar, at codon 262 of the GBE1 protein (p.Arg262Cys). This variant is present in population databases (rs137852893, gnomAD 0.003%). This missense change has been observed in individual(s) with GBE1-related condition and/or glycogen storage disease (PMID: 16528737; internal data). In at least one individual the data is consistent with being in trans (on the opposite chromosome) from a pathogenic variant. ClinVar contains an entry for this variant (Variation ID: 2791). An algorithm developed to predict the effect of missense changes on protein structure and function (PolyPhen-2) suggests that this variant is likely to be disruptive. In summary, the currently available evidence indicates that the variant is pathogenic, but additional data are needed to prove that conclusively. Therefore, this variant has been classified as Likely Pathogenic.

Broad Center for Mendelian Genomics, Broad Institute of MIT and Harvard
Classification: Likely pathogenic for Glycogen storage disease, type IV. Last evaluated: 2025-05-05. Review status: criteria provided, single submitter. Criteria: ACMG Guidelines, 2015. Collection method: curation. Allele origin: germline. Inheritance: Autosomal recessive inheritance.
Comment: The p.Arg262Cys variant in GBE1 has been reported, in the compound heterozygous state, in 1 individual with glycogen storage disease type IV (GSD IV) (PMID: 16528737), and has been identified in 0.003% (34/1169752) of European (non-Finnish) chromosomes by the Genome Aggregation Database (gnomAD; dbSNP ID: rs137852893). Although this variant has been seen in the general population in a heterozygous state, its frequency is low enough to be consistent with a recessive carrier frequency. This variant has also been reported in ClinVar (Variation ID#: 2791) and has been interpreted as pathogenic/likely pathogenic by OMIM, Center of Genomic medicine (Geneva, University Hospital of Geneva), and Baylor Genetics, and as a variant of uncertain significance by Labcorp Genetics (formerly Invitae). Computational prediction tools and conservation analyses suggest that this variant may impact the protein, though this information is not predictive enough to determine pathogenicity. The phenotype of an individual compound heterozygous for this variant is highly specific for GSD IV based on strict biochemical investigations consistent with disease (PMID: 16528737). One additional likely pathogenic variant, resulting in a different amino acid change at the same position, p.Arg262His, has been reported in association with disease in ClinVar, slightly supporting that a change at this position may not be tolerated (Variation ID: 437422). In summary, although additional studies are required to fully establish its clinical significance, this variant is likely pathogenic for autosomal recessive GSD IV. ACMG/AMP Criteria applied: PP3_moderate, PM3, PM2_supporting, PP4, PM5_supporting (Richards 2015).

Baylor Genetics
Classification: Likely pathogenic for Glycogen storage disease, type IV. Last evaluated: 2024-02-23. Review status: criteria provided, single submitter. Criteria: ACMG Guidelines, 2015. Collection method: clinical testing. Allele origin: unknown.

Blueprint Genetics
Classification: Uncertain significance. Last evaluated: 2018-06-15. Review status: criteria provided, single submitter. Criteria: ACMG Guidelines, 2015. Collection method: clinical testing. Allele origin: germline.

Center of Genomic medicine, Geneva, University Hospital of Geneva
Classification: Pathogenic for Adult polyglucosan body disease. Last evaluated: 2016-11-15. Review status: criteria provided, single submitter. Criteria: ACMG Guidelines, 2015. Collection method: clinical testing. Allele origin: maternal. Affected: yes.

Juno Genomics, Hangzhou Juno Genomics, Inc
Classification: Likely pathogenic for Glycogen storage disease, type IV; Adult polyglucosan body disease. Review status: criteria provided, single submitter. Criteria: ACMG Guidelines, 2015. Collection method: clinical testing. Allele origin: germline.
Comment: Absent from controls (or at extremely low frequency if recessive) in Genome Aggregation Database.;Multiple lines of computational evidence support a deleterious effect on the gene or gene product.;For recessive disorders, detected in trans with a pathogenic variant.;Patient's phenotype or family history is highly specific for a disease with a single genetic etiology.

OMIM
Classification: Pathogenic for GLYCOGEN STORAGE DISEASE IV, CONGENITAL NEUROMUSCULAR. Last evaluated: 2006-04-15. Review status: no assertion criteria provided. Collection method: literature only. Allele origin: germline. Not counted in ClinVar's aggregate classification.

Literature cited by the submitters: PubMed 16528737 (cited by 3 submitters).

NM_000158.4(GBE1):c.784C>T (p.Arg262Cys)

Gene: GBE1 (1,4-alpha-glucan branching enzyme 1; minus strand). Cytogenetic location: 3p12.2.
Variant type: single nucleotide variant.
Coding change: c.784C>T on transcript NM_000158.4 (MANE Select); coding-DNA position 784, C replaced by T.
Protein change: p.Arg262Cys; replaces arginine 262 with cysteine.
Molecular consequence: missense variant.
Genome position (GRCh38, 1-based): chr3:81,642,989, G>A on the plus strand (C>T on the coding strand, the complement: GBE1 is on the minus strand). VCF-style: chr3-81642989-G-A. GRCh37 (hg19) VCF-style: chr3-81692140-G-A.
Other names: NM_000158.4(GBE1):c.784C>T; p.Arg262Cys; short protein forms R262C.
Identifiers: ClinVar variation 2791 (VCV000002791.14), dbSNP rs137852893, ClinGen allele CA115764.